The following is an entry in ClinVar:

NM_014009.4(FOXP3):c.767T>C (p.Met256Thr)

Gene: FOXP3 (forkhead box P3; minus strand). Cytogenetic location: Xp11.23.
Variant type: single nucleotide variant.
Coding change: c.767T>C on transcript NM_014009.4 (MANE Select); coding-DNA position 767, T replaced by C.
Protein change: p.Met256Thr; replaces methionine 256 with threonine.
Molecular consequence: missense variant.
Genome position (GRCh38, 1-based): chrX:49,255,478, A>G on the plus strand (T>C on the coding strand, the complement: FOXP3 is on the minus strand). VCF-style: chrX-49255478-A-G. GRCh37 (hg19) VCF-style: chrX-49111939-A-G.
Other names: p.Met256Thr; c.662T>C, p.Met221Thr (NM_001114377.2); short protein forms M221T, M256T.
Identifiers: ClinVar variation 3380923 (VCV003380923.2).

ClinVar aggregate classification (germline): Conflicting classifications of pathogenicity. Review status: criteria provided, conflicting classifications (1 of 4 stars). 2 submissions from 2 submitters: Likely pathogenic (1); Uncertain significance (1). Last evaluated 2025-08-17.

Conditions:
Insulin-dependent diabetes mellitus secretory diarrhea syndrome (IPEX). Also called: IMMUNODEFICIENCY, POLYENDOCRINOPATHY, AND ENTEROPATHY, X-LINKED; Immunodysregulation, polyendocrinopathy, and enteropathy, X-linked; X-Linked Autoimmunity-Allergic Dysregulation Syndrome; IPEX and IPEX-Like; Immune dysregulation-polyendocrinopathy-enteropathy-X-linked syndrome; DIABETES MELLITUS, CONGENITAL INSULIN-DEPENDENT, WITH FATAL SECRETORY DIARRHEA. Identifiers: Orphanet 37042, MedGen C0342288, MONDO:0010580, OMIM 304790. Disease mechanism: loss of function.

Submissions (2):

Labcorp Genetics (formerly Invitae), Labcorp
Classification: Uncertain significance for Insulin-dependent diabetes mellitus secretory diarrhea syndrome. Last evaluated: 2025-08-17. Review status: criteria provided, single submitter. Criteria: Invitae Variant Classification Sherloc (09022015). Collection method: clinical testing. Allele origin: germline.
Comment: This sequence change replaces methionine, which is neutral and non-polar, with threonine, which is neutral and polar, at codon 256 of the FOXP3 protein (p.Met256Thr). This variant is not present in population databases (gnomAD no frequency). This missense change has been observed in individual(s) with immunodysregulation, polyendocrinopathy, and enteropathy syndrome (PMID: 30443250, 30894704, 33358585). ClinVar contains an entry for this variant (Variation ID: 3380923). Invitae Evidence Modeling of protein sequence and biophysical properties (such as structural, functional, and spatial information, amino acid conservation, physicochemical variation, residue mobility, and thermodynamic stability) indicates that this missense variant is expected to disrupt FOXP3 protein function with a positive predictive value of 80%. This variant disrupts the p.Met256 amino acid residue in FOXP3. Other variant(s) that disrupt this residue have been determined to be pathogenic (PMID: 33546062, 35434975, 36600150). This suggests that this residue is clinically significant, and that variants that disrupt this residue are likely to be disease-causing. In summary, the available evidence is currently insufficient to determine the role of this variant in disease. Therefore, it has been classified as a Variant of Uncertain Significance.

Mayo Clinic Laboratories, Mayo Clinic
Classification: Likely pathogenic. Last evaluated: 2024-01-09. Review status: criteria provided, single submitter. Criteria: ACMG Guidelines, 2015. Collection method: clinical testing. Allele origin: germline. Observed: 2 variant alleles.
Comment: PP1, PP3, PM1, PM2, PS4_moderate

Literature cited by the submitters: PubMed 30443250 (cited by Labcorp Genetics (formerly Invitae), Labcorp and Mayo Clinic Laboratories, Mayo Clinic); PubMed 30894704 (cited by Labcorp Genetics (formerly Invitae), Labcorp and Mayo Clinic Laboratories, Mayo Clinic); PubMed 33358585 (cited by Labcorp Genetics (formerly Invitae), Labcorp and Mayo Clinic Laboratories, Mayo Clinic); PubMed 33546062 (cited by Labcorp Genetics (formerly Invitae), Labcorp and Mayo Clinic Laboratories, Mayo Clinic); PubMed 35434975 (cited by Labcorp Genetics (formerly Invitae), Labcorp and Mayo Clinic Laboratories, Mayo Clinic); PubMed 36600150 (cited by Labcorp Genetics (formerly Invitae), Labcorp); PubMed 36091011 (cited by Mayo Clinic Laboratories, Mayo Clinic).